The following is an entry in ClinVar:

NM_003458.4(BSN):c.224G>C (p.Ser75Thr)

Genes: BSN (bassoon presynaptic cytomatrix protein; plus strand), LOC129936761 (ATAC-STARR-seq lymphoblastoid silent region 14369; plus strand). Cytogenetic location: 3p21.31.
Variant type: single nucleotide variant.
Coding change: c.224G>C on transcript NM_003458.4 (MANE Select); coding-DNA position 224, G replaced by C.
Protein change: p.Ser75Thr; replaces serine 75 with threonine.
Molecular consequence: missense variant.
Genome position (GRCh38, 1-based): chr3:49,554,826, G>C. VCF-style: chr3-49554826-G-C. GRCh37 (hg19) VCF-style: chr3-49592259-G-C.
Other names: short protein forms S75T.
Identifiers: ClinVar variation 3900314 (VCV003900314.1).

ClinVar aggregate classification (germline): Uncertain significance (1 of 4 stars; one submission).

gnomAD v4.1: 1 of 1,206,906 alleles (0.000083%); no homozygotes.

Submission:

GeneDx
Classification: Uncertain significance. Last evaluated: 2024-01-25. Review status: criteria provided, single submitter. Criteria: GeneDx Variant Classification Process June 2021. Collection method: clinical testing. Allele origin: germline. Affected: yes.
Comment: Not observed at significant frequency in large population cohorts (gnomAD); In silico analysis supports that this missense variant has a deleterious effect on protein structure/function; In silico analysis supports that this missense variant does not alter protein structure/function; Has not been previously published as pathogenic or benign to our knowledge; Variants in candidate genes are classified as variants of uncertain significance in accordance with ACMG guidelines (PMID: 25741868)